The following is an entry in ClinVar:

NC_000016.10:g.(?_8804742)_(8813116_?)del

Gene: PMM2 (phosphomannomutase 2; plus strand). Cytogenetic location: 16p13.2.
Variant type: Deletion.
Identifiers: ClinVar variation 830598 (VCV000830598.1).

ClinVar aggregate classification (germline): Pathogenic (1 of 4 stars; one submission).

Conditions:
PMM2-congenital disorder of glycosylation. Also called: PMM2-CDG; CDG Ia; Congenital disorder of glycosylation, type Ia; JAEKEN SYNDROME; PHOSPHOMANNOMUTASE 2 DEFICIENCY; CARBOHYDRATE-DEFICIENT GLYCOPROTEIN SYNDROME, TYPE Ia. Identifiers: Orphanet 79318, MedGen C0349653, MONDO:0008907, OMIM 212065.

Submission:

Labcorp Genetics (formerly Invitae), Labcorp
Classification: Pathogenic for Congenital disorder of glycosylation, type Ia. Last evaluated: 2019-08-01. Review status: criteria provided, single submitter. Criteria: Invitae Variant Classification Sherloc (09022015). Collection method: clinical testing. Allele origin: germline.
Comment: This variant is a sub-genic deletion of the genomic region encompassing exons 3-7 of the PMM2 gene. While this deletion is not anticipated to result in nonsense mediated decay, it is expected to create a truncated protein product. In at least one individual the data is consistent with the variant being in trans (on the opposite chromosome) from a pathogenic variant. This variant disrupts the p.Ala108 amino acid residue in PMM2. Other variant(s) that disrupt this residue have been determined to be pathogenic (PMID: 9140401, 25355454, Invitae). This suggests that this residue is clinically significant, and that variants that disrupt this residue are likely to be disease-causing. For these reasons, this variant has been classified as Pathogenic.

Literature cited by the submitters: PubMed 25355454; PubMed 9140401.